The following is an entry in ClinVar:

ClinVar aggregate classification (germline): Uncertain significance. Review status: criteria provided, multiple submitters, no conflicts (2 of 4 stars). 2 submissions from 2 submitters: Uncertain significance (2). Last evaluated 2025-08-10.

Conditions:
Cardiovascular phenotype. Identifiers: MedGen CN230736.

Allele frequency attached by ClinVar (database versions not stated): gnomAD exomes below 0.00001; ExAC 0.00001; gnomAD 0.00001; TOPMed 0.00001.
gnomAD v4.1: 4 of 1,612,840 alleles (0.00025%); highest among the groups gnomAD compares: African/African-American, 0.0053%; no homozygotes.

Submissions (2):

Ambry Genetics
Classification: Uncertain significance for Cardiovascular phenotype. Last evaluated: 2025-08-10. Review status: criteria provided, single submitter. Criteria: Ambry Variant Classification Scheme 2023. Collection method: clinical testing. Allele origin: germline.

GeneDx
Classification: Uncertain significance. Last evaluated: 2024-06-11. Review status: criteria provided, single submitter. Criteria: GeneDx Variant Classification Process June 2021. Collection method: clinical testing. Allele origin: germline. Affected: yes.
Comment: Has not been previously published as pathogenic or benign to our knowledge; Not observed at significant frequency in large population cohorts (gnomAD); In silico analysis indicates that this missense variant does not alter protein structure/function; Reported using an alternate transcript of the gene

NM_007078.3(LDB3):c.1160G>T (p.Gly387Val)

Gene: LDB3 (LIM domain binding 3; plus strand). Cytogenetic location: 10q23.2.
Variant type: single nucleotide variant.
Coding change: c.1160G>T on transcript NM_007078.3 (MANE Select); coding-DNA position 1160, G replaced by T.
Protein change: p.Gly387Val; replaces glycine 387 with valine.
Molecular consequence: missense variant.
Genome position (GRCh38, 1-based): chr10:86,709,979, G>T. VCF-style: chr10-86709979-G-T. GRCh37 (hg19) VCF-style: chr10-88469736-G-T.
Other names: c.830G>T, p.Gly277Val (NM_001080114.2); c.1175G>T, p.Gly392Val (NM_001171610.2); c.971G>T, p.Gly324Val (NM_001368064.1, NM_001368065.1); c.1019G>T, p.Gly340Val (NM_001368066.1); short protein forms G277V, G324V, G340V, G392V, G387V.
Identifiers: ClinVar variation 1736661 (VCV001736661.5), dbSNP rs753535906, ClinGen allele CA5585067.
Genomic context (GRCh38, chr10:86,709,979, plus strand): 5'-CCTACAGCCCCGCAGTGGCCGCCTCTTCAGCACCTGCCACCCACACCAGCTACAGTGAGG[G>T]CCCCGCCGCCCCTGCACCCAAGCCCCGGGTTGTCACCACTGCCAGCATCCGGCCTTCTGT-3'
Protein context (NP_009009.1, residues 377-397): APATHTSYSE[Gly387Val]PAAPAPKPRV